The following is an entry in ClinVar:

NM_199420.4(POLQ):c.4993T>G (p.Phe1665Val)

Gene: POLQ (DNA polymerase theta; minus strand). Cytogenetic location: 3q13.33.
Variant type: single nucleotide variant.
Coding change: c.4993T>G on transcript NM_199420.4 (MANE Select); coding-DNA position 4993, T replaced by G.
Protein change: p.Phe1665Val; replaces phenylalanine 1665 with valine.
Molecular consequence: missense variant.
Genome position (GRCh38, 1-based): chr3:121,487,938, A>C on the plus strand (T>G on the coding strand, the complement: POLQ is on the minus strand). VCF-style: chr3-121487938-A-C. GRCh37 (hg19) VCF-style: chr3-121206785-A-C.
Other names: short protein forms F1665V.
Identifiers: ClinVar variation 3422594 (VCV003422594.1).
Genomic context (GRCh38, chr3:121,487,938, plus strand): 5'-AGTTTGAAATAACTTCTTGTTCTTCATTTAACTCTGTATTTTTTCTATTCAAACTGGAAA[A>C]GTTTATAGTCATTGATTTTAGCTTTTCATTTTCTAGAGGACTGGATACTTTATCTAAAAT-3'
Protein context (NP_955452.3, residues 1655-1675): NEKLKSMTIN[Phe1665Val]SSLNRKNTEL

ClinVar aggregate classification (germline): Uncertain significance (1 of 4 stars; one submission).

gnomAD v4.1: 2 of 1,602,480 alleles (0.00012%); highest among the groups gnomAD compares: Non-Finnish European, 0.00017%; no homozygotes.

Submission:

Ambry Genetics
Classification: Uncertain significance. Last evaluated: 2024-10-13. Review status: criteria provided, single submitter. Criteria: Ambry Variant Classification Scheme 2023. Collection method: clinical testing. Allele origin: germline.
Comment: The p.F1665V variant (also known as c.4993T>G), located in coding exon 16 of the POLQ gene, results from a T to G substitution at nucleotide position 4993. The phenylalanine at codon 1665 is replaced by valine, an amino acid with highly similar properties. This amino acid position is conserved. In addition, this alteration is predicted to be tolerated by in silico analysis. Based on the available evidence, the clinical significance of this variant remains unclear.